The following is an entry in ClinVar:

NM_020832.3(ZNF687):c.1675A>G (p.Ile559Val)

Gene: ZNF687 (zinc finger protein 687; plus strand). Cytogenetic location: 1q21.3.
Variant type: single nucleotide variant.
Coding change: c.1675A>G on transcript NM_020832.3 (MANE Select); coding-DNA position 1675, A replaced by G.
Protein change: p.Ile559Val; replaces isoleucine 559 with valine.
Molecular consequence: missense variant.
Genome position (GRCh38, 1-based): chr1:151,287,966, A>G. VCF-style: chr1-151287966-A-G. GRCh37 (hg19) VCF-style: chr1-151260442-A-G.
Other names: c.1675A>G, p.Ile559Val (NM_001304763.2, NM_001304764.2); short protein forms I559V.
Identifiers: ClinVar variation 4701296 (VCV004701296.1).

ClinVar aggregate classification (germline): Uncertain significance (1 of 4 stars; one submission).

gnomAD v4.1: 10 of 1,613,706 alleles (0.00062%); highest among the groups gnomAD compares: African/African-American, 0.0013%; no homozygotes.

Submission:

Labcorp Genetics (formerly Invitae), Labcorp
Classification: Uncertain significance. Last evaluated: 2025-12-21. Review status: criteria provided, single submitter. Criteria: Invitae Variant Classification Sherloc (09022015). Collection method: clinical testing. Allele origin: germline.
Comment: This sequence change replaces isoleucine, which is neutral and non-polar, with valine, which is neutral and non-polar, at codon 559 of the ZNF687 protein (p.Ile559Val). This variant is present in population databases (no rsID available, gnomAD 0.01%). This variant has not been reported in the literature in individuals affected with ZNF687-related conditions. An algorithm developed to predict the effect of missense changes on protein structure and function (PolyPhen-2) suggests that this variant is likely to be disruptive. In summary, the available evidence is currently insufficient to determine the role of this variant in disease. Therefore, it has been classified as a Variant of Uncertain Significance.